The following is an entry in ClinVar:

NM_016219.5(MAN1B1):c.272C>T (p.Ala91Val)

Gene: MAN1B1 (mannosidase alpha class 1B member 1; plus strand). Cytogenetic location: 9q34.3.
Variant type: single nucleotide variant.
Coding change: c.272C>T on transcript NM_016219.5 (MANE Select); coding-DNA position 272, C replaced by T.
Protein change: p.Ala91Val; replaces alanine 91 with valine.
Molecular consequence: missense variant. On other transcripts: non-coding transcript variant (2).
Genome position (GRCh38, 1-based): chr9:137,088,127, C>T. VCF-style: chr9-137088127-C-T. GRCh37 (hg19) VCF-style: chr9-139982579-C-T.
Other names: short protein forms A91V.
Identifiers: ClinVar variation 588081 (VCV000588081.21), dbSNP rs138411911, ClinGen allele CA5358529.

ClinVar aggregate classification (germline): Likely benign. Review status: criteria provided, multiple submitters, no conflicts (2 of 4 stars). 6 submissions from 6 submitters: Likely benign (5). 1 of the submissions does not count toward it. Last evaluated 2026-07-01.

Conditions:
Inborn genetic diseases. Identifiers: MedGen C0950123, MeSH D030342.
MAN1B1-related disorder. Also called: MAN1B1-related condition; MAN1B1-related disorders.
Rafiq syndrome (RAFQS). Identifiers: Orphanet 88616, MedGen C3280127, MONDO:0013624, OMIM 614202.

Allele frequency attached by ClinVar (database versions not stated): gnomAD exomes 0.00014 and 0.00035; ExAC 0.00043; 1000 Genomes Project 0.00080; 1000 Genomes Project 30x 0.00109; gnomAD 0.00126 and 0.00135; TOPMed 0.00148; ESP Exome Variant Server 0.00177.

Submissions (6):

CeGaT Center for Human Genetics Tuebingen
Classification: Likely benign. Last evaluated: 2026-07-01. Review status: criteria provided, single submitter. Criteria: CeGaT Center For Human Genetics Tuebingen Variant Classification Criteria Version 2. Collection method: clinical testing. Allele origin: germline. Affected: yes. Observed: 1 variant allele.
Comment: MAN1B1: BP4

Labcorp Genetics (formerly Invitae), Labcorp
Classification: Likely benign for Rafiq syndrome. Last evaluated: 2026-01-05. Review status: criteria provided, single submitter. Criteria: Invitae Variant Classification Sherloc (09022015). Collection method: clinical testing. Allele origin: germline.

Blueprint Genetics
Classification: Likely benign. Last evaluated: 2021-11-20. Review status: criteria provided, single submitter. Criteria: ACMG Guidelines, 2015. Collection method: clinical testing. Allele origin: germline.

Ambry Genetics
Classification: Likely benign for Inborn genetic diseases. Last evaluated: 2021-08-09. Review status: criteria provided, single submitter. Criteria: Ambry Variant Classification Scheme 2023. Collection method: clinical testing. Allele origin: germline.

Eurofins Ntd Llc (ga)
Classification: Likely benign. Last evaluated: 2017-07-20. Review status: criteria provided, single submitter. Criteria: EGL Classification Definitions 2015. Collection method: clinical testing. Allele origin: germline. Observed: 1 variant allele, 1 heterozygote.

PreventionGenetics, part of Exact Sciences
Classification: Likely benign for MAN1B1-related condition. Last evaluated: 2022-04-15. Review status: no assertion criteria provided. Collection method: clinical testing. Allele origin: germline. Not counted in ClinVar's aggregate classification.
Comment: This variant is classified as likely benign based on ACMG/AMP sequence variant interpretation guidelines (Richards et al. 2015 PMID: 25741868, with internal and published modifications).